The following is an entry in ClinVar:

ClinVar aggregate classification (germline): Likely pathogenic (1 of 4 stars; one submission).

Conditions:
Ataxia-telangiectasia syndrome (AT). Also called: ATAXIA-TELANGIECTASIA, COMPLEMENTATION GROUP A; ATAXIA-TELANGIECTASIA, FRESNO VARIANT; Ataxia-telangiectasia, complementation group E; Ataxia telangiectasia (A-T); LOUIS-BAR SYNDROME; Cerebello-oculocutaneous telangiectasia. Identifiers: Orphanet 100, MedGen C0004135, MONDO:0008840, OMIM 208900.

Submission:

Labcorp Genetics (formerly Invitae), Labcorp
Classification: Likely pathogenic for Ataxia-telangiectasia syndrome. Last evaluated: 2022-10-25. Review status: criteria provided, single submitter. Criteria: Invitae Variant Classification Sherloc (09022015). Collection method: clinical testing. Allele origin: germline.
Comment: This variant results in a copy number gain of the genomic region encompassing exon(s) 8-29 of the ATM gene. While the exact position of this variant cannot be determined from the data, sub-genic copy number gains are generally in tandem (PMID: 25640679). This variant is predicted to be out-of-frame, and may result in an absent or disrupted protein product. Loss-of-function variants in ATM are known to be pathogenic (PMID: 23807571, 25614872). This variant has not been reported in the literature in individuals affected with ATM-related conditions. In summary, the currently available evidence indicates that the variant is pathogenic, but additional data are needed to prove that conclusively. Therefore, this variant has been classified as Likely Pathogenic.

Literature cited by the submitters: PubMed 25640679; PubMed 23807571; PubMed 25614872.

NC_000011.10:g.(?_108246954)_(108289811_?)dup

Gene: ATM (ATM serine/threonine kinase; plus strand). Cytogenetic location: 11q22.3.
Variant type: Duplication.
Identifiers: ClinVar variation 831601 (VCV000831601.2).